The following is an entry in ClinVar:

ClinVar aggregate classification (germline): Conflicting classifications of pathogenicity. Review status: criteria provided, conflicting classifications (1 of 4 stars). 9 submissions from 9 submitters: Uncertain significance (5); Likely benign (2). 2 of the submissions do not count toward it. Last evaluated 2026-02-17.

Conditions:
Usher syndrome type 2A. Also called: RETINAL DISEASE IN USHER SYNDROME TYPE IIA, MODIFIER OF; USHER SYNDROME, TYPE IIA. Identifiers: Orphanet 231178, Orphanet 886, MedGen C1848634, MONDO:0010169, OMIM 276901.
USH2A-related disorder. Also called: USH2A-related condition; USH2A-related disorders. Identifiers: MedGen CN239332.
Retinal dystrophy. Also called: Inherited retinal dystrophy. Identifiers: Orphanet 71862, MedGen C0854723, MeSH D058499, MONDO:0019118, HP:0000556.
Inborn genetic diseases. Identifiers: MedGen C0950123, MeSH D030342.

Allele frequency attached by ClinVar (database versions not stated): TOPMed 0.00005; ESP Exome Variant Server 0.00008; gnomAD exomes 0.00017 and 0.00026; ExAC 0.00027; 1000 Genomes Project 0.00040; 1000 Genomes Project 30x 0.00062.
gnomAD v4.1: 266 of 1,614,190 alleles (0.016%); highest among the groups gnomAD compares: South Asian, 0.19%; 2 homozygotes.

Submissions (9):

Ambry Genetics
Classification: Uncertain significance for Inborn genetic diseases. Last evaluated: 2026-02-17. Review status: criteria provided, single submitter. Criteria: Ambry Variant Classification Scheme 2023. Collection method: clinical testing. Allele origin: germline.

Labcorp Genetics (formerly Invitae), Labcorp
Classification: Likely benign. Last evaluated: 2026-01-30. Review status: criteria provided, single submitter. Criteria: Invitae Variant Classification Sherloc (09022015). Collection method: clinical testing. Allele origin: germline.

GeneDx
Classification: Uncertain significance. Last evaluated: 2025-10-20. Review status: criteria provided, single submitter. Criteria: GeneDx Variant Classification Process June 2021. Collection method: clinical testing. Allele origin: germline. Affected: yes.
Comment: In silico analysis supports that this missense variant has a deleterious effect on protein structure/function; Has not been previously published as pathogenic or benign to our knowledge

PreventionGenetics, part of Exact Sciences
Classification: Likely benign for USH2A-related condition. Last evaluated: 2025-05-30. Review status: criteria provided, single submitter. Criteria: ACMG Guidelines, 2015. Collection method: clinical testing. Allele origin: germline.
Comment: This variant is classified as likely benign based on ACMG/AMP sequence variant interpretation guidelines (Richards et al. 2015 PMID: 25741868, with internal and published modifications).

Blueprint Genetics
Classification: Uncertain significance. Last evaluated: 2024-10-30. Review status: criteria provided, single submitter. Criteria: ACMG Guidelines, 2015. Collection method: clinical testing. Allele origin: germline.

CeGaT Center for Human Genetics Tuebingen
Classification: Uncertain significance. Last evaluated: 2023-07-01. Review status: criteria provided, single submitter. Criteria: CeGaT Center For Human Genetics Tuebingen Variant Classification Criteria Version 2. Collection method: clinical testing. Allele origin: germline. Affected: yes. Observed: 1 variant allele.

Laboratory for Molecular Medicine, Mass General Brigham Personalized Medicine
Classification: Uncertain significance. Last evaluated: 2019-03-11. Review status: criteria provided, single submitter. Criteria: LMM Criteria. Collection method: clinical testing. Allele origin: germline. Observed: 1 variant allele.
Comment: Variant classified as Uncertain Significance - Favor Benign. The p.Tyr4690Cys variant in USH2A has not been previously reported in individuals with hearing loss or Usher syndrome, but has been identified in 0.17% (53/30616) of South Asian chromosomes by gnomAD. Computational prediction tools and conservation analysis suggest that this variant may impact the protein, though this information is not predictive enough to determine pathogenicity. In summary, while the clinical significance of this variant is uncertain, its frequency suggests it is more likely to be benign. ACMG/AMP Criteria applied: BS1_Supporting, PP3.

Institute of Human Genetics, Univ. Regensburg, Univ. Regensburg
Classification: Uncertain significance for Retinal dystrophy. Last evaluated: 2023-01-01. Review status: no assertion criteria provided. Criteria: ACMG Guidelines, 2015. Collection method: clinical testing. Allele origin: germline. Affected: yes. Not counted in ClinVar's aggregate classification.

Natera, Inc.
Classification: Uncertain significance for Usher syndrome type 2A. Last evaluated: 2019-11-06. Review status: no assertion criteria provided. Collection method: clinical testing. Allele origin: germline. Not counted in ClinVar's aggregate classification.

NM_206933.4(USH2A):c.14069A>G (p.Tyr4690Cys)

Gene: USH2A (usherin; minus strand). Cytogenetic location: 1q41.
Variant type: single nucleotide variant.
Coding change: c.14069A>G on transcript NM_206933.4 (MANE Select); coding-DNA position 14069, A replaced by G.
Protein change: p.Tyr4690Cys; replaces tyrosine 4690 with cysteine.
Molecular consequence: missense variant.
Genome position (GRCh38, 1-based): chr1:215,671,036, T>C on the plus strand (A>G on the coding strand, the complement: USH2A is on the minus strand). VCF-style: chr1-215671036-T-C. GRCh37 (hg19) VCF-style: chr1-215844378-T-C.
Other names: short protein forms Y4690C.
Identifiers: ClinVar variation 667354 (VCV000667354.45), dbSNP rs150280500, ClinGen allele CA1393156.